The following is an entry in ClinVar:

NM_001370466.1(NOD2):c.1528C>T (p.Pro510Ser)

Gene: NOD2 (nucleotide binding oligomerization domain containing 2; plus strand). Cytogenetic location: 16q12.1.
Variant type: single nucleotide variant.
Coding change: c.1528C>T on transcript NM_001370466.1 (MANE Select); coding-DNA position 1528, C replaced by T.
Protein change: p.Pro510Ser; replaces proline 510 with serine.
Molecular consequence: missense variant. On other transcripts: non-coding transcript variant (1).
Genome position (GRCh38, 1-based): chr16:50,711,520, C>T. VCF-style: chr16-50711520-C-T. GRCh37 (hg19) VCF-style: chr16-50745431-C-T.
Other names: c.1609C>T (NM_022162.1); c.1528C>T, p.Pro510Ser (NM_001293557.2); c.1609C>T, p.Pro537Ser (NM_022162.3); short protein forms P510S, P537S.
Identifiers: ClinVar variation 1040807 (VCV001040807.11), dbSNP rs767197520, ClinGen allele CA8051590.

ClinVar aggregate classification (germline): Uncertain significance. Review status: criteria provided, multiple submitters, no conflicts (2 of 4 stars). 3 submissions from 3 submitters: Uncertain significance (3). Last evaluated 2026-01-18.

Conditions:
Blau syndrome (BLAUS). Also called: GRANULOMATOSIS, FAMILIAL JUVENILE SYSTEMIC; GRANULOMATOSIS, FAMILIAL, BLAU TYPE; GRANULOMATOUS INFLAMMATORY ARTHRITIS, DERMATITIS, AND UVEITIS, FAMILIAL; JABS SYNDROME; ARTHROCUTANEOUVEAL GRANULOMATOSIS. Identifiers: Orphanet 90340, MedGen C5201146, MONDO:0008523, OMIM 186580.
Regional enteritis. Also called: Enteritis, Granulomatous. Identifiers: MedGen C0678202, MeSH D003424.
Inborn genetic diseases. Identifiers: MedGen C0950123, MeSH D030342.

Allele frequency attached by ClinVar (database versions not stated): gnomAD exomes 0.00003 and 0.00007; gnomAD 0.00006 and 0.00007; ExAC 0.00011; TOPMed 0.00011.
gnomAD v4.1: 50 of 1,613,158 alleles (0.0031%); highest among the groups gnomAD compares: African/African-American, 0.019%; no homozygotes.

Submissions (3):

Labcorp Genetics (formerly Invitae), Labcorp
Classification: Uncertain significance for Regional enteritis; Blau syndrome. Last evaluated: 2026-01-18. Review status: criteria provided, single submitter. Criteria: Invitae Variant Classification Sherloc (09022015). Collection method: clinical testing. Allele origin: germline.
Comment: This sequence change replaces proline, which is neutral and non-polar, with serine, which is neutral and polar, at codon 537 of the NOD2 protein (p.Pro537Ser). This variant is present in population databases (rs767197520, gnomAD 0.03%). This variant has not been reported in the literature in individuals affected with NOD2-related conditions. ClinVar contains an entry for this variant (Variation ID: 1040807). Invitae Evidence Modeling of protein sequence and biophysical properties (such as structural, functional, and spatial information, amino acid conservation, physicochemical variation, residue mobility, and thermodynamic stability) indicates that this missense variant is not expected to disrupt NOD2 protein function with a negative predictive value of 95%. In summary, the available evidence is currently insufficient to determine the role of this variant in disease. Therefore, it has been classified as a Variant of Uncertain Significance.

Ambry Genetics
Classification: Uncertain significance for Inborn genetic diseases. Last evaluated: 2025-01-27. Review status: criteria provided, single submitter. Criteria: Ambry Variant Classification Scheme 2023. Collection method: clinical testing. Allele origin: germline.

Breakthrough Genomics
Classification: Uncertain significance. Review status: criteria provided, single submitter. Criteria: ACMG Guidelines, 2015. Collection method: not provided. Allele origin: germline. Inheritance: Autosomal dominant inheritance. Affected: yes.